The following is an entry in ClinVar:

NM_006514.4(SCN10A):c.3262A>G (p.Thr1088Ala)

Genes: SCN10A (sodium voltage-gated channel alpha subunit 10; minus strand), LOC110121288 (VISTA enhancer hs2268; plus strand). Cytogenetic location: 3p22.2.
Variant type: single nucleotide variant.
Coding change: c.3262A>G on transcript NM_006514.4 (MANE Select); coding-DNA position 3262, A replaced by G.
Protein change: p.Thr1088Ala; replaces threonine 1088 with alanine.
Molecular consequence: missense variant.
Genome position (GRCh38, 1-based): chr3:38,723,520, T>C on the plus strand (A>G on the coding strand, the complement: SCN10A is on the minus strand). VCF-style: chr3-38723520-T-C. GRCh37 (hg19) VCF-style: chr3-38765011-T-C.
Other names: c.3259A>G, p.Thr1087Ala (NM_001293306.2); c.2968A>G, p.Thr990Ala (NM_001293307.2); short protein forms T1087A, T1088A, T990A.
Identifiers: ClinVar variation 4864118 (VCV004864118.1).

ClinVar aggregate classification (germline): Uncertain significance (1 of 4 stars; one submission).

Conditions:
Cardiovascular phenotype. Identifiers: MedGen CN230736.

Submission:

Ambry Genetics
Classification: Uncertain significance for Cardiovascular phenotype. Last evaluated: 2026-06-09. Review status: criteria provided, single submitter. Criteria: Ambry Variant Classification Scheme 2023. Collection method: clinical testing. Allele origin: germline.
Comment: The p.T1088A variant (also known as c.3262A>G), located in coding exon 18 of the SCN10A gene, results from an A to G substitution at nucleotide position 3262. The threonine at codon 1088 is replaced by alanine, an amino acid with similar properties. This amino acid position is conserved. In addition, the in silico prediction for this alteration is inconclusive. Based on the available evidence, the clinical significance of this variant remains unclear.